The following is an entry in ClinVar:

ClinVar aggregate classification (germline): Likely pathogenic. Review status: criteria provided, multiple submitters, no conflicts (2 of 4 stars). 2 submissions from 2 submitters: Likely pathogenic (2). Last evaluated 2026-09-08.

Conditions:
Fabry disease. Also called: ALPHA-GALACTOSIDASE A DEFICIENCY; ANDERSON-FABRY DISEASE; Fabry's disease; Ceramide trihexosidosis; Angiokeratoma corporis diffusum; CERAMIDE TRIHEXOSIDASE DEFICIENCY. Identifiers: Orphanet 324, MedGen C0002986, MONDO:0010526, OMIM 301500, HP:0001071. Disease mechanism: loss of function, Fabry disease is due to inactivating mutations in the X-linked GLA gene resulting in deficiency of the enzyme Alpha Galactosidase-A..

Submissions (2):

Genomenon, Inc
Classification: Likely pathogenic for Fabry disease. Last evaluated: 2026-09-08. Review status: criteria provided, single submitter. Criteria: Genomenon Sequence Variant Interpretation Standards - Updated. Collection method: curation. Allele origin: germline. Affected: yes.
Comment: GLA p.Thr410Lys (c.1229C>A) is a missense variant that changes the amino acid at codon 410 from Threonine to Lysine. This variant has been observed in at least one proband with clinical features consistent with Fabry disease (PMID:11322659). At least one functional study has demonstrated a substantial alteration in protein function relative to the wild-type (PMID:27657681). It is absent or not present at a significant frequency in gnomAD. In silico models predict that this variant is possibly or probably damaging. In conclusion, we classify GLA p.Thr410Lys (c.1229C>A) as a likely pathogenic variant.

Women's Health and Genetics/Laboratory Corporation of America, LabCorp
Classification: Likely pathogenic for Fabry disease. Last evaluated: 2020-11-06. Review status: criteria provided, single submitter. Criteria: LabCorp Variant Classification Summary - May 2015. Collection method: clinical testing. Allele origin: germline.
Comment: Variant summary: GLA c.1229C>A (p.Thr410Lys) results in a non-conservative amino acid change located in the Alpha galactosidase A, C-terminal beta sandwich domain (IPR035373) of the encoded protein sequence. Five of five in-silico tools predict a damaging effect of the variant on protein function consistent with in-silico tools specifically derived for assessment of GLA mutations that report a damaging outcome (example, Riera_2015). Other missense variants at the same codon have been reported in patients with Fabry disease supporting a mutational hotspot and/or critical and well established functional domain in the GLA protein. The variant was absent in 183422 control chromosomes. c.1229C>A has been reported in the literature in at-least one individual affected with Fabry Disease (example, Ashley_2001). These data do not allow any conclusion about variant significance. At least one publication reports experimental evidence evaluating an impact on protein function, however, does not allow convincing conclusions about the variant effect as the primary data supporting this evidence were not reported by the authors (Ashley_2001). No clinical diagnostic laboratories have submitted clinical-significance assessments for this variant to ClinVar after 2014. Based on the evidence outlined above, the variant was classified as likely pathogenic.

Literature cited by the submitters: PubMed 11322659 (cited by Genomenon, Inc and Women's Health and Genetics/Laboratory Corporation of America, LabCorp); PubMed 27657681 (cited by Genomenon, Inc); PubMed 21972175 (cited by Women's Health and Genetics/Laboratory Corporation of America, LabCorp); PubMed 25382311 (cited by Women's Health and Genetics/Laboratory Corporation of America, LabCorp).

NM_000169.3(GLA):c.1229C>A (p.Thr410Lys)

Genes: GLA (galactosidase alpha; minus strand), RPL36A-HNRNPH2 (RPL36A-HNRNPH2 readthrough; plus strand). Cytogenetic location: Xq22.1.
Variant type: single nucleotide variant.
Coding change: c.1229C>A on transcript NM_000169.3 (MANE Select); coding-DNA position 1229, C replaced by A.
Protein change: p.Thr410Lys; replaces threonine 410 with lysine.
Molecular consequence: missense variant. On other transcripts: non-coding transcript variant (3), intron variant (2).
Genome position (GRCh38, 1-based): chrX:101,397,870, G>T on the plus strand (C>A on the coding strand, the complement: GLA is on the minus strand). VCF-style: chrX-101397870-G-T. GRCh37 (hg19) VCF-style: chrX-100652858-G-T.
Other names: c.1352C>A, p.Thr451Lys (NM_001406747.1); c.300+2413G>T (NM_001199973.2); c.177+6048G>T (NM_001199974.2); short protein forms T410K, T451K.
Identifiers: ClinVar variation 180833 (VCV000180833.3), dbSNP rs730880442, ClinGen allele CA021469.